The following is an entry in ClinVar:

NM_000545.8(HNF1A):c.238G>T (p.Asp80Tyr)

Gene: HNF1A (HNF1 homeobox A; plus strand). Cytogenetic location: 12q24.31.
Variant type: single nucleotide variant.
Coding change: c.238G>T on transcript NM_000545.8 (MANE Select); coding-DNA position 238, G replaced by T.
Protein change: p.Asp80Tyr; replaces aspartic acid 80 with tyrosine.
Molecular consequence: missense variant.
Genome position (GRCh38, 1-based): chr12:120,979,006, G>T. VCF-style: chr12-120979006-G-T. GRCh37 (hg19) VCF-style: chr12-121416809-G-T.
Other names: c.238G>T, p.Asp80Tyr (NM_001306179.2); short protein forms D80Y.
Identifiers: ClinVar variation 1098821 (VCV001098821.2), dbSNP rs76845985, ClinGen allele CA6831695.

ClinVar aggregate classification (germline): Uncertain significance. Review status: criteria provided, multiple submitters, no conflicts (2 of 4 stars). 2 submissions from 2 submitters: Uncertain significance (2). Last evaluated 2024-06-17.

Conditions:
Nonpapillary renal cell carcinoma. Identifiers: Orphanet 422526, MedGen CN074294, MONDO:0007763, OMIM 144700.
Type 1 diabetes mellitus 20 (T1D20). Also called: Diabetes mellitus, insulin-dependent, 20. Identifiers: MedGen C2675866, MONDO:0012919, OMIM 612520.
Type 2 diabetes mellitus. Also called: Type II diabetes mellitus. Identifiers: MedGen C0011860, MeSH D003924, MONDO:0005148, OMIM 125853, HP:0005978.
Hepatic adenomas, familial. Also called: HEPATIC ADENOMA, SOMATIC; LIVER CELL ADENOMAS, FAMILIAL. Identifiers: MedGen C1840646, MONDO:0007718, OMIM 142330.
Diabetes mellitus type 1 (T1D). Also called: Type I diabetes mellitus; Diabetes Mellitus, Juvenile-Onset. Identifiers: MedGen C0011854, MONDO:0005147, OMIM 222100, HP:0100651.
Maturity-onset diabetes of the young type 3. Also called: MODY type 3; MODY, type III. Identifiers: Orphanet 552, MedGen C1838100, MeSH C563933, MONDO:0010894, OMIM 600496. Disease mechanism: loss of function.

Allele frequency attached by ClinVar (database versions not stated): gnomAD exomes below 0.00001; ExAC 0.00001.

Submissions (2):

Fulgent Genetics
Classification: Uncertain significance for Type 2 diabetes mellitus; Hepatic adenomas, familial; Nonpapillary renal cell carcinoma; Diabetes mellitus type 1; Maturity-onset diabetes of the young type 3; Type 1 diabetes mellitus 20. Last evaluated: 2024-06-17. Review status: criteria provided, single submitter. Criteria: ACMG Guidelines, 2015. Collection method: clinical testing. Allele origin: germline.

Women's Health and Genetics/Laboratory Corporation of America, LabCorp
Classification: Uncertain significance. Last evaluated: 2021-04-21. Review status: criteria provided, single submitter. Criteria: LabCorp Variant Classification Summary - May 2015. Collection method: clinical testing. Allele origin: germline.
Comment: Variant summary: HNF1A c.238G>T (p.Asp80Tyr) results in a non-conservative amino acid change located in the Hepatocyte nuclear factor 1, N-terminal domain of the encoded protein sequence. Five of five in-silico tools predict a damaging effect of the variant on protein function. The variant allele was found at a frequency of 4.2e-06 in 237576 control chromosomes. The available data on variant occurrences in the general population are insufficient to allow any conclusion about variant significance. To our knowledge, no occurrence of c.238G>T in individuals affected with Maturity Onset Diabetes Of The Young 3 and no experimental evidence demonstrating its impact on protein function have been reported. No clinical diagnostic laboratories have submitted clinical-significance assessments for this variant to ClinVar after 2014. Based on the evidence outlined above, the variant was classified as uncertain significance.